The following is an entry in ClinVar:

NM_002485.5(NBN):c.662T>C (p.Ile221Thr)

Gene: NBN (nibrin; minus strand). Cytogenetic location: 8q21.3.
Variant type: single nucleotide variant.
Coding change: c.662T>C on transcript NM_002485.5 (MANE Select); coding-DNA position 662, T replaced by C.
Protein change: p.Ile221Thr; replaces isoleucine 221 with threonine.
Molecular consequence: missense variant.
Genome position (GRCh38, 1-based): chr8:89,971,213, A>G on the plus strand (T>C on the coding strand, the complement: NBN is on the minus strand). VCF-style: chr8-89971213-A-G. GRCh37 (hg19) VCF-style: chr8-90983441-A-G.
Other names: c.416T>C, p.Ile139Thr (NM_001024688.3); short protein forms I221T, I139T.
Identifiers: ClinVar variation 490059 (VCV000490059.19), dbSNP rs1187082186, ClinGen allele CA371659059.

ClinVar aggregate classification (germline): Uncertain significance. Review status: criteria provided, multiple submitters, no conflicts (2 of 4 stars). 4 submissions from 4 submitters: Uncertain significance (4). Last evaluated 2023-08-24.

Conditions:
Hereditary cancer-predisposing syndrome. Also called: Tumor predisposition; Neoplastic Syndromes, Hereditary; Hereditary Cancer Syndrome; Hereditary neoplastic syndrome. Identifiers: Orphanet 140162, MedGen C0027672, MeSH D009386, MONDO:0015356.
Microcephaly, normal intelligence and immunodeficiency (NBS). Also called: BERLIN BREAKAGE SYNDROME; Ataxia telangiectasia variant V1; IMMUNODEFICIENCY, MICROCEPHALY, AND CHROMOSOMAL INSTABILITY; SEEMANOVA SYNDROME II; Immunodeficiency, microcephaly with normal intelligence; Nijmegen breakage syndrome. Identifiers: Orphanet 647, MedGen C0398791, MONDO:0009623, OMIM 251260.

Allele frequency attached by ClinVar (database versions not stated): gnomAD exomes below 0.00001; TOPMed below 0.00001.
gnomAD v4.1: 3 of 1,613,220 alleles (0.00019%); highest among the groups gnomAD compares: Middle Eastern, 0.017%; no homozygotes.

Submissions (4):

Ambry Genetics
Classification: Uncertain significance for Hereditary cancer-predisposing syndrome. Last evaluated: 2023-08-24. Review status: criteria provided, single submitter. Criteria: Ambry Variant Classification Scheme 2023. Collection method: clinical testing. Allele origin: germline.
Comment: The p.I221T variant (also known as c.662T>C), located in coding exon 6 of the NBN gene, results from a T to C substitution at nucleotide position 662. The isoleucine at codon 221 is replaced by threonine, an amino acid with similar properties. This amino acid position is highly conserved in available vertebrate species. In addition, this alteration is predicted to be deleterious by in silico analysis. Since supporting evidence is limited at this time, the clinical significance of this alteration remains unclear.

Labcorp Genetics (formerly Invitae), Labcorp
Classification: Uncertain significance for Microcephaly, normal intelligence and immunodeficiency. Last evaluated: 2023-03-14. Review status: criteria provided, single submitter. Criteria: Invitae Variant Classification Sherloc (09022015). Collection method: clinical testing. Allele origin: germline.
Comment: In summary, the available evidence is currently insufficient to determine the role of this variant in disease. Therefore, it has been classified as a Variant of Uncertain Significance. An algorithm developed to predict the effect of missense changes on protein structure and function (PolyPhen-2) suggests that this variant is likely to be disruptive. ClinVar contains an entry for this variant (Variation ID: 490059). This variant has not been reported in the literature in individuals affected with NBN-related conditions. This variant is not present in population databases (gnomAD no frequency). This sequence change replaces isoleucine, which is neutral and non-polar, with threonine, which is neutral and polar, at codon 221 of the NBN protein (p.Ile221Thr).

Genome-Nilou Lab
Classification: Uncertain significance for Microcephaly, normal intelligence and immunodeficiency. Last evaluated: 2021-11-07. Review status: criteria provided, single submitter. Criteria: ACMG Guidelines, 2015. Collection method: clinical testing. Allele origin: germline. Affected: no.

Institute for Clinical Genetics, University Hospital TU Dresden, University Hospital TU Dresden
Classification: Uncertain significance. Last evaluated: 2021-11-03. Review status: criteria provided, single submitter. Criteria: ACMG Guidelines, 2015. Collection method: clinical testing. Allele origin: germline.